The following is an entry in ClinVar:

ClinVar aggregate classification (germline): Uncertain significance (1 of 4 stars; one submission).

gnomAD v4.1: 2 of 1,551,786 alleles (0.00013%); highest among the groups gnomAD compares: Non-Finnish European, 0.00017%; no homozygotes.

Submission:

GeneDx
Classification: Uncertain significance. Last evaluated: 2023-12-16. Review status: criteria provided, single submitter. Criteria: GeneDx Variant Classification Process June 2021. Collection method: clinical testing. Allele origin: germline. Affected: yes.
Comment: Not observed at significant frequency in large population cohorts (gnomAD); In silico analysis supports that this missense variant has a deleterious effect on protein structure/function; Has not been previously published as pathogenic or benign to our knowledge

NM_020928.2(ZSWIM6):c.1942C>G (p.Arg648Gly)

Gene: ZSWIM6 (zinc finger SWIM-type containing 6; plus strand). Cytogenetic location: 5q12.1.
Variant type: single nucleotide variant.
Coding change: c.1942C>G on transcript NM_020928.2 (MANE Select); coding-DNA position 1942, C replaced by G.
Protein change: p.Arg648Gly; replaces arginine 648 with glycine.
Molecular consequence: missense variant.
Genome position (GRCh38, 1-based): chr5:61,530,156, C>G. VCF-style: chr5-61530156-C-G. GRCh37 (hg19) VCF-style: chr5-60825983-C-G.
Other names: short protein forms R648G.
Identifiers: ClinVar variation 3365847 (VCV003365847.1).